The following is an entry in ClinVar:

ClinVar aggregate classification (germline): Uncertain significance. Review status: criteria provided, multiple submitters, no conflicts (2 of 4 stars). 7 submissions from 7 submitters: Uncertain significance (7). Last evaluated 2024-05-06.

Conditions:
Pelizaeus-Merzbacher disease. Also called: Sudanophilic leukodystrophy; Pelizaeus-Merzbacher spectrum disorder; Pelizaeus-Merzbacher Disease (PMD); LEUKODYSTROPHY, HYPOMYELINATING, 1; Pelizeaus-Merzbacher spectrum disorder. Identifiers: Orphanet 702, MedGen C0205711, MONDO:0010714, OMIM 312080, HP:0003269.
Hereditary spastic paraplegia 2 (SPG2). Also called: Spastic Paraplegia 2 (SPG2); SPASTIC PARAPLEGIA 2, X-LINKED. Identifiers: Orphanet 99015, MedGen C0751604, MONDO:0010733, OMIM 312920.

Allele frequency attached by ClinVar (database versions not stated): gnomAD exomes below 0.00001.
gnomAD v4.1: 2 of 1,210,675 alleles (0.00017%); highest among the groups gnomAD compares: Middle Eastern, 0.023%; no homozygotes.

Submissions (7):

Blueprint Genetics
Classification: Uncertain significance. Last evaluated: 2024-05-06. Review status: criteria provided, single submitter. Criteria: ACMG Guidelines, 2015. Collection method: clinical testing. Allele origin: germline.

Genomic Medicine Center of Excellence, King Faisal Specialist Hospital and Research Centre
Classification: Uncertain significance for Pelizaeus-Merzbacher disease. Last evaluated: 2024-03-29. Review status: criteria provided, single submitter. Criteria: ACMG Guidelines, 2015. Collection method: clinical testing. Allele origin: germline.

CeGaT Center for Human Genetics Tuebingen
Classification: Uncertain significance. Last evaluated: 2023-08-01. Review status: criteria provided, single submitter. Criteria: CeGaT Center For Human Genetics Tuebingen Variant Classification Criteria Version 2. Collection method: clinical testing. Allele origin: germline. Affected: yes. Observed: 2 variant alleles.
Comment: PLP1: PM2, PP2, PP3

Labcorp Genetics (formerly Invitae), Labcorp
Classification: Uncertain significance for Hereditary spastic paraplegia 2. Last evaluated: 2021-08-29. Review status: criteria provided, single submitter. Criteria: Invitae Variant Classification Sherloc (09022015). Collection method: clinical testing. Allele origin: germline.
Comment: This sequence change replaces alanine with threonine at codon 17 of the PLP1 protein (p.Ala17Thr). The alanine residue is highly conserved and there is a small physicochemical difference between alanine and threonine. This variant is not present in population databases (ExAC no frequency). This variant has not been reported in the literature in individuals affected with PLP1-related conditions. ClinVar contains an entry for this variant (Variation ID: 211916). Algorithms developed to predict the effect of missense changes on protein structure and function are either unavailable or do not agree on the potential impact of this missense change (SIFT: "Tolerated"; PolyPhen-2: "Probably Damaging"; Align-GVGD: "Class C0"). In summary, the available evidence is currently insufficient to determine the role of this variant in disease. Therefore, it has been classified as a Variant of Uncertain Significance.

Baylor Genetics
Classification: Uncertain significance for Hereditary spastic paraplegia 2. Last evaluated: 2019-08-12. Review status: criteria provided, single submitter. Criteria: ACMG Guidelines, 2015. Collection method: clinical testing. Allele origin: unknown. Affected: yes.
Comment: This variant was determined to be of uncertain significance according to ACMG Guidelines, 2015 [PMID:25741868].

Centre for Mendelian Genomics, University Medical Centre Ljubljana
Classification: Uncertain significance for Pelizaeus-Merzbacher disease. Last evaluated: 2019-04-01. Review status: criteria provided, single submitter. Criteria: ACMG Guidelines, 2015. Collection method: clinical testing. Allele origin: unknown. Affected: yes.
Comment: This variant was classified as: Uncertain significance. The available evidence on this variant's pathogenicity is insufficient or conflicting. The following ACMG criteria were applied in classifying this variant: PM2,PP3.

Genetic Services Laboratory, University of Chicago
Classification: Uncertain significance. Last evaluated: 2015-07-28. Review status: criteria provided, single submitter. Criteria: ACMG Guidelines, 2015. Collection method: clinical testing. Allele origin: germline.

NM_000533.5(PLP1):c.49G>A (p.Ala17Thr)

Genes: PLP1 (proteolipid protein 1; plus strand), RAB9B (RAB9B, member RAS oncogene family; minus strand). Cytogenetic location: Xq22.2.
Variant type: single nucleotide variant.
Coding change: c.49G>A on transcript NM_000533.5 (MANE Select); coding-DNA position 49, G replaced by A.
Protein change: p.Ala17Thr; replaces alanine 17 with threonine.
Molecular consequence: missense variant. On other transcripts: intron variant (1).
Genome position (GRCh38, 1-based): chrX:103,785,626, G>A. VCF-style: chrX-103785626-G-A. GRCh37 (hg19) VCF-style: chrX-103040555-G-A.
Other names: c.49G>A, p.Ala17Thr (NM_001128834.3, NM_199478.3); c.5-121G>A (NM_001305004.1); short protein forms A17T.
Identifiers: ClinVar variation 211916 (VCV000211916.52), dbSNP rs797045890, ClinGen allele CA205100.